The following is an entry in ClinVar:

NM_005068.3(SIM1):c.2100C>G (p.Gly700=)

Gene: SIM1 (SIM bHLH transcription factor 1; minus strand). Cytogenetic location: 6q16.3.
Variant type: single nucleotide variant.
Coding change: c.2100C>G on transcript NM_005068.3 (MANE Select); coding-DNA position 2100, C replaced by G.
Protein change: p.Gly700=; no amino-acid change (glycine 700 retained).
Molecular consequence: synonymous variant.
Genome position (GRCh38, 1-based): chr6:100,390,562, G>C on the plus strand (C>G on the coding strand, the complement: SIM1 is on the minus strand). VCF-style: chr6-100390562-G-C. GRCh37 (hg19) VCF-style: chr6-100838438-G-C.
Other names: c.2100C>G, p.Gly700= (NM_001374769.1).
Identifiers: ClinVar variation 728950 (VCV000728950.19), dbSNP rs77655804, ClinGen allele CA3936879.

ClinVar aggregate classification (germline): Benign/Likely benign. Review status: criteria provided, multiple submitters, no conflicts (2 of 4 stars). 6 submissions from 6 submitters: Benign (2); Likely benign (3). 1 of the submissions does not count toward it. Last evaluated 2025-12-17.

Conditions:
SIM1-related disorder. Also called: SIM1-related condition; SIM1-related disorders.
Obesity due to SIM1 deficiency. Identifiers: Orphanet 369873, MedGen C5191050, MONDO:0018244.

Allele frequency attached by ClinVar (database versions not stated): 1000 Genomes Project 30x 0.00265; 1000 Genomes Project 0.00300; ESP Exome Variant Server 0.00300; gnomAD 0.00312 and 0.00331; TOPMed 0.00317.
gnomAD v4.1: 888 of 1,614,176 alleles (0.055%); highest among the groups gnomAD compares: African/African-American, 1%; 9 homozygotes.

Submissions (6):

Labcorp Genetics (formerly Invitae), Labcorp
Classification: Benign. Last evaluated: 2025-12-17. Review status: criteria provided, single submitter. Criteria: Invitae Variant Classification Sherloc (09022015). Collection method: clinical testing. Allele origin: germline.

Blueprint Genetics
Classification: Likely benign. Last evaluated: 2024-11-20. Review status: criteria provided, single submitter. Criteria: ACMG Guidelines, 2015. Collection method: clinical testing. Allele origin: germline.

Genetic Services Laboratory, University of Chicago
Classification: Benign. Last evaluated: 2021-07-16. Review status: criteria provided, single submitter. Criteria: ACMG Guidelines, 2015. Collection method: clinical testing. Allele origin: germline. Affected: no.

Illumina Laboratory Services, Illumina
Classification: Likely benign for Obesity due to SIM1 deficiency. Last evaluated: 2018-01-13. Review status: criteria provided, single submitter. Criteria: ICSL Variant Classification Criteria 13 December 2019. Collection method: clinical testing. Allele origin: germline.
Comment: This variant was observed in the ICSL laboratory as part of a predisposition screen in an ostensibly healthy population. It had not been previously curated by ICSL or reported in the Human Gene Mutation Database (HGMD: prior to June 1st, 2018), and was therefore a candidate for classification through an automated scoring system. Utilizing variant allele frequency, disease prevalence and penetrance estimates, and inheritance mode, an automated score was calculated to assess if this variant is too frequent to cause the disease. Based on the score and internal cut-off values, a variant classified as likely benign is not then subjected to further curation. The score for this variant resulted in a classification of likely benign for this disease.

Breakthrough Genomics
Classification: Likely benign. Review status: criteria provided, single submitter. Criteria: ACMG Guidelines, 2015. Collection method: not provided. Allele origin: germline. Inheritance: Unknown mechanism. Affected: yes.

PreventionGenetics, part of Exact Sciences
Classification: Benign for SIM1-related condition. Last evaluated: 2019-09-28. Review status: no assertion criteria provided. Collection method: clinical testing. Allele origin: germline. Not counted in ClinVar's aggregate classification.
Comment: This variant is classified as benign based on ACMG/AMP sequence variant interpretation guidelines (Richards et al. 2015 PMID: 25741868, with internal and published modifications).